The following is an entry in ClinVar:

ClinVar aggregate classification (germline): Uncertain significance (1 of 4 stars; one submission).

Conditions:
Alagille syndrome due to a JAG1 point mutation. Also called: HEPATIC DUCTULAR HYPOPLASIA, SYNDROMATIC; Alagille Syndrome 1; JAG1-Related Alagille Syndrome. Identifiers: Orphanet 261619, Orphanet 52, MedGen C1956125, MONDO:0016862, OMIM 118450.

Submission:

Labcorp Genetics (formerly Invitae), Labcorp
Classification: Uncertain significance for Alagille syndrome due to a JAG1 point mutation. Last evaluated: 2022-08-13. Review status: criteria provided, single submitter. Criteria: Invitae Variant Classification Sherloc (09022015). Collection method: clinical testing. Allele origin: germline.
Comment: In summary, the available evidence is currently insufficient to determine the role of this variant in disease. Therefore, it has been classified as a Variant of Uncertain Significance. This variant is not present in population databases (gnomAD no frequency). Advanced modeling of protein sequence and biophysical properties (such as structural, functional, and spatial information, amino acid conservation, physicochemical variation, residue mobility, and thermodynamic stability) performed at Invitae indicates that this missense variant is not expected to disrupt JAG1 protein function. This variant has not been reported in the literature in individuals affected with JAG1-related conditions. This sequence change replaces histidine, which is basic and polar, with proline, which is neutral and non-polar, at codon 677 of the JAG1 protein (p.His677Pro).

NM_000214.3(JAG1):c.2030A>C (p.His677Pro)

Gene: JAG1 (jagged canonical Notch ligand 1; minus strand). Cytogenetic location: 20p12.2.
Variant type: single nucleotide variant.
Coding change: c.2030A>C on transcript NM_000214.3 (MANE Select); coding-DNA position 2030, A replaced by C.
Protein change: p.His677Pro; replaces histidine 677 with proline.
Molecular consequence: missense variant.
Genome position (GRCh38, 1-based): chr20:10,645,439, T>G on the plus strand (A>C on the coding strand, the complement: JAG1 is on the minus strand). VCF-style: chr20-10645439-T-G. GRCh37 (hg19) VCF-style: chr20-10626087-T-G.
Other names: short protein forms H677P.
Identifiers: ClinVar variation 1716398 (VCV001716398.5), dbSNP rs2514513684, ClinGen allele CA408235557.
Genomic context (GRCh38, chr20:10,645,439, plus strand): 5'-CACCCATTTTTACAGTCACAGTAGAAGTCATTGACCAGGTCGCGACACGTGCCCCCATTG[T>G]GGCAGGGGTTCTGGCTGCAGTCATTAATATCTAGAATCAAAGGGGAGACAATCGGCTGAA-3'
Protein context (NP_000205.1, residues 667-687): NINDCSQNPC[His677Pro]NGGTCRDLVN